The following is an entry in ClinVar:

ClinVar aggregate classification (germline): Uncertain significance (1 of 4 stars; one submission).

Conditions:
Wiskott-Aldrich syndrome 2 (WAS2). Also called: WIPF1 DEFICIENCY. Identifiers: Orphanet 906, MedGen C3281001, MONDO:0013779, OMIM 614493.

Submission:

Labcorp Genetics (formerly Invitae), Labcorp
Classification: Uncertain significance for Wiskott-Aldrich syndrome 2. Last evaluated: 2020-11-16. Review status: criteria provided, single submitter. Criteria: Invitae Variant Classification Sherloc (09022015). Collection method: clinical testing. Allele origin: germline.
Comment: This variant is not present in population databases (ExAC no frequency). This variant has not been reported in the literature in individuals with WIPF1-related conditions. Algorithms developed to predict the effect of missense changes on protein structure and function are either unavailable or do not agree on the potential impact of this missense change (SIFT: "Not Available"; PolyPhen-2: "Benign"; Align-GVGD: "Not Available"). In summary, the available evidence is currently insufficient to determine the role of this variant in disease. Therefore, it has been classified as a Variant of Uncertain Significance. This sequence change replaces lysine with glutamine at codon 61 of the WIPF1 protein (p.Lys61Gln). The lysine residue is highly conserved and there is a small physicochemical difference between lysine and glutamine.

NM_001375834.1(WIPF1):c.181A>C (p.Lys61Gln)

Genes: WIPF1 (WAS/WASL interacting protein family member 1; minus strand), WIPF1-AS1 (WIPF1 and CHRNA1 antisense RNA 1; plus strand). Cytogenetic location: 2q31.1.
Variant type: single nucleotide variant.
Coding change: c.181A>C on transcript NM_001375834.1 (MANE Select); coding-DNA position 181, A replaced by C.
Protein change: p.Lys61Gln; replaces lysine 61 with glutamine.
Molecular consequence: missense variant.
Genome position (GRCh38, 1-based): chr2:174,581,310, T>G on the plus strand (A>C on the coding strand, the complement: WIPF1 is on the minus strand). VCF-style: chr2-174581310-T-G. GRCh37 (hg19) VCF-style: chr2-175446038-T-G.
Other names: c.181A>C, p.Lys61Gln (NM_001077269.1, NM_001375832.1, NM_001375833.1 and 5 more transcripts); c.181A>C, p.Ile61Leu (NM_001375839.1); short protein forms I61L, K61Q.
Identifiers: ClinVar variation 1423801 (VCV001423801.6), dbSNP rs1685234520, ClinGen allele CA349687428.
Genomic context (GRCh38, chr2:174,581,310, plus strand): 5'-GGGTTGATTATTAGGCCATAAACTGTTCCTCTCCATGGTAGATAGCCTTTTTTTACTTAC[T>G]GTCCAGTATTGGTGCACTTCTGTCATTGGTGACCGTCTTCTTTAGTTTCTTCCCTTTGCT-3'
Protein context (NP_001362763.1, residues 51-71): TNDRSAPILD[Lys61Gln]PKGAGAGGGG